The following is an entry in ClinVar:

ClinVar aggregate classification (germline): Uncertain significance (1 of 4 stars; one submission).

gnomAD v4.1: 9 of 1,613,258 alleles (0.00056%); highest among the groups gnomAD compares: Admixed American, 0.0017%; no homozygotes.

Submission:

GeneDx
Classification: Uncertain significance. Last evaluated: 2023-12-15. Review status: criteria provided, single submitter. Criteria: GeneDx Variant Classification Process June 2021. Collection method: clinical testing. Allele origin: germline. Affected: yes.
Comment: Not observed at significant frequency in large population cohorts (gnomAD); In silico analysis supports that this missense variant does not alter protein structure/function; Has not been previously published as pathogenic or benign to our knowledge

NM_014727.3(KMT2B):c.6037A>G (p.Met2013Val)

Gene: KMT2B (lysine methyltransferase 2B; plus strand). Cytogenetic location: 19q13.12.
Variant type: single nucleotide variant.
Coding change: c.6037A>G on transcript NM_014727.3 (MANE Select); coding-DNA position 6037, A replaced by G.
Protein change: p.Met2013Val; replaces methionine 2013 with valine.
Molecular consequence: missense variant.
Genome position (GRCh38, 1-based): chr19:35,732,586, A>G. VCF-style: chr19-35732586-A-G. GRCh37 (hg19) VCF-style: chr19-36223487-A-G.
Other names: short protein forms M2013V.
Identifiers: ClinVar variation 3365837 (VCV003365837.1).